The following is an entry in ClinVar:

ClinVar aggregate classification (germline): Uncertain significance (1 of 4 stars; one submission).

Conditions:
Phelan-McDermid syndrome. Also called: Phelan-McDermid Syndrome-SHANK3 Related; TELOMERIC 22q13 MONOSOMY SYNDROME; 22q13.3 deletion syndrome. Identifiers: Orphanet 48652, MedGen C1853490, MONDO:0011652, OMIM 606232.

Submission:

Foundation for Research in Genetics and Endocrinology, FRIGE's Institute of Human Genetics
Classification: Uncertain significance for Phelan-McDermid syndrome. Last evaluated: 2022-09-15. Review status: criteria provided, single submitter. Criteria: ACMG Guidelines, 2015. Collection method: clinical testing. Allele origin: germline. Inheritance: X-linked dominant inheritance. Affected: yes. Observed: 1 heterozygote.
Comment: description: A heterozygous missense variation in exon 17 of the COL4A5 gene that results in the amino acid substitution of Arginine for Lysine at codon 330 was detected. The p.Lys330Arg variant has not been reported in the 1000 genomes, gnomAD and in our internal databases. The in silico predictions# of the variant are probably damaging by PolyPhen-2 (HumDiv) and damaging by LRT. The reference codon is conserved across species.

NM_033380.3(COL4A5):c.989A>G (p.Lys330Arg)

Gene: COL4A5 (collagen type IV alpha 5 chain; plus strand). Cytogenetic location: Xq22.3.
Variant type: single nucleotide variant.
Coding change: c.989A>G on transcript NM_033380.3 (MANE Select); coding-DNA position 989, A replaced by G.
Protein change: p.Lys330Arg; replaces lysine 330 with arginine.
Molecular consequence: missense variant.
Genome position (GRCh38, 1-based): chrX:108,582,936, A>G. VCF-style: chrX-108582936-A-G. GRCh37 (hg19) VCF-style: chrX-107826166-A-G.
Other names: p.Lys330Arg; c.989A>G, p.Lys330Arg (NM_000495.5); short protein forms K330R.
Identifiers: ClinVar variation 1803724 (VCV001803724.3), dbSNP rs2524254895, ClinGen allele CA413927799.